The following is an entry in ClinVar:

ClinVar aggregate classification (germline): Likely benign. Review status: criteria provided, multiple submitters, no conflicts (2 of 4 stars). 3 submissions from 3 submitters: Likely benign (2). 1 of the submissions does not count toward it. Last evaluated 2026-01-25.

Conditions:
PNPT1-related disorder. Also called: PNPT1-related condition; PNPT1-related disorders.

Allele frequency attached by ClinVar (database versions not stated): gnomAD 0.00004 and 0.00005; gnomAD exomes 0.00006 and 0.00014; ExAC 0.00007; TOPMed 0.00009; ESP Exome Variant Server 0.00023.
gnomAD v4.1: 219 of 1,592,370 alleles (0.014%); highest among the groups gnomAD compares: Non-Finnish European, 0.017%; no homozygotes.

Submissions (3):

Labcorp Genetics (formerly Invitae), Labcorp
Classification: Likely benign. Last evaluated: 2026-01-25. Review status: criteria provided, single submitter. Criteria: Invitae Variant Classification Sherloc (09022015). Collection method: clinical testing. Allele origin: germline.

GeneDx
Classification: Likely benign. Last evaluated: 2019-11-08. Review status: criteria provided, single submitter. Criteria: GeneDx Variant Classification Process June 2021. Collection method: clinical testing. Allele origin: germline. Affected: yes.

PreventionGenetics, part of Exact Sciences
Classification: Likely benign for PNPT1-related condition. Last evaluated: 2019-02-26. Review status: no assertion criteria provided. Collection method: clinical testing. Allele origin: germline. Not counted in ClinVar's aggregate classification.
Comment: This variant is classified as likely benign based on ACMG/AMP sequence variant interpretation guidelines (Richards et al. 2015 PMID: 25741868, with internal and published modifications).

NM_033109.5(PNPT1):c.1496-10C>T

Gene: PNPT1 (polyribonucleotide nucleotidyltransferase 1; minus strand). Cytogenetic location: 2p16.1.
Variant type: single nucleotide variant.
Coding change: c.1496-10C>T on transcript NM_033109.5 (MANE Select); 10 bases into the intron before coding-DNA position 1496, C replaced by T.
Molecular consequence: intron variant.
Genome position (GRCh38, 1-based): chr2:55,647,463, G>A on the plus strand (C>T on the coding strand, the complement: PNPT1 is on the minus strand). VCF-style: chr2-55647463-G-A. GRCh37 (hg19) VCF-style: chr2-55874598-G-A.
Identifiers: ClinVar variation 389795 (VCV000389795.13), dbSNP rs372005055, ClinGen allele CA1668043.